The following is an entry in ClinVar:

ClinVar aggregate classification (germline): Benign/Likely benign. Review status: criteria provided, multiple submitters, no conflicts (2 of 4 stars). 3 submissions from 3 submitters: Benign (1); Likely benign (2). Last evaluated 2024-06-11.

Conditions:
Familial adenomatous polyposis 1 (FAP1). Also called: FAMILIAL ADENOMATOUS POLYPOSIS 1, ATTENUATED; POLYPOSIS, ADENOMATOUS INTESTINAL. Identifiers: MedGen C2713442, MONDO:0021056, OMIM 175100. Disease mechanism: loss of function.
Hereditary cancer-predisposing syndrome. Also called: Neoplastic Syndromes, Hereditary; Tumor predisposition; Hereditary Cancer Syndrome; Hereditary neoplastic syndrome. Identifiers: Orphanet 140162, MedGen C0027672, MeSH D009386, MONDO:0015356.

Submissions (3):

Labcorp Genetics (formerly Invitae), Labcorp
Classification: Likely benign for Familial adenomatous polyposis 1. Last evaluated: 2024-06-11. Review status: criteria provided, single submitter. Criteria: Invitae Variant Classification Sherloc (09022015). Collection method: clinical testing. Allele origin: germline.

Myriad Genetics, Inc.
Classification: Benign for Familial adenomatous polyposis 1. Last evaluated: 2024-03-14. Review status: criteria provided, single submitter. Criteria: Myriad Autosomal Dominant, Autosomal Recessive and X-Linked Classification Criteria (2023). Collection method: clinical testing. Allele origin: unknown.
Comment: This variant is considered benign. This variant is a silent/synonymous amino acid change and it is not expected to impact splicing.

Ambry Genetics
Classification: Likely benign for Hereditary cancer-predisposing syndrome. Last evaluated: 2018-02-14. Review status: criteria provided, single submitter. Criteria: Ambry Variant Classification Scheme 2023. Collection method: clinical testing. Allele origin: germline.

NM_000038.6(APC):c.2548A>C (p.Arg850=)

Gene: APC (APC regulator of Wnt signaling pathway; plus strand). Cytogenetic location: 5q22.2.
Variant type: single nucleotide variant.
Coding change: c.2548A>C on transcript NM_000038.6 (MANE Select); coding-DNA position 2548, A replaced by C.
Protein change: p.Arg850=; no amino-acid change (arginine 850 retained).
Molecular consequence: synonymous variant.
Genome position (GRCh38, 1-based): chr5:112,838,142, A>C. VCF-style: chr5-112838142-A-C. GRCh37 (hg19) VCF-style: chr5-112173839-A-C.
Other names: c.2548A>C, p.Arg850= (NM_001127510.3, NM_001354895.2); c.2494A>C, p.Arg832= (NM_001127511.3); c.2602A>C, p.Arg868= (NM_001354896.2); c.2578A>C, p.Arg860= (NM_001354897.2); c.2473A>C, p.Arg825= (NM_001354898.2); c.2464A>C, p.Arg822= (NM_001354899.2); c.2425A>C, p.Arg809= (NM_001354900.2); c.2371A>C, p.Arg791= (NM_001354901.2); and 5 more.
Identifiers: ClinVar variation 821470 (VCV000821470.12), dbSNP rs1176934059, ClinGen allele CA445962852.